The following is an entry in ClinVar:

ClinVar aggregate classification (germline): Uncertain significance. Review status: criteria provided, multiple submitters, no conflicts (2 of 4 stars). 2 submissions from 2 submitters: Uncertain significance (2). Last evaluated 2024-02-16.

Conditions:
Cardiovascular phenotype. Identifiers: MedGen CN230736.
DK1-congenital disorder of glycosylation. Also called: CONGENITAL DISORDER OF GLYCOSYLATION, TYPE Im; CDG Im; DK1 DEFICIENCY; DOLICHOL KINASE DEFICIENCY; DOLK-congenital disorder of glycosylation; Carbohydrate deficient glycoprotein syndrome type 1m. Identifiers: Orphanet 91131, MedGen C1835849, MONDO:0012556, OMIM 610768.

Submissions (2):

Ambry Genetics
Classification: Uncertain significance for Cardiovascular phenotype. Last evaluated: 2024-02-16. Review status: criteria provided, single submitter. Criteria: Ambry Variant Classification Scheme 2023. Collection method: clinical testing. Allele origin: germline.
Comment: The p.R187H variant (also known as c.560G>A), located in coding exon 1 of the DOLK gene, results from a G to A substitution at nucleotide position 560. The arginine at codon 187 is replaced by histidine, an amino acid with highly similar properties. This amino acid position is conserved. In addition, the in silico prediction for this alteration is inconclusive. Based on the available evidence, the clinical significance of this alteration remains unclear.

Labcorp Genetics (formerly Invitae), Labcorp
Classification: Uncertain significance for DK1-congenital disorder of glycosylation. Last evaluated: 2017-11-11. Review status: criteria provided, single submitter. Criteria: Invitae Variant Classification Sherloc (09022015). Collection method: clinical testing. Allele origin: germline.
Comment: This sequence change replaces arginine with histidine at codon 187 of the DOLK protein (p.Arg187His). The arginine residue is highly conserved and there is a small physicochemical difference between arginine and histidine. In summary, the available evidence is currently insufficient to determine the role of this variant in disease. Therefore, it has been classified as a Variant of Uncertain Significance. Algorithms developed to predict the effect of missense changes on protein structure and function do not agree on the potential impact of this missense change (SIFT: "Tolerated"; PolyPhen-2: "Possibly Damaging"; Align-GVGD: "Class C0"). This variant has not been reported in the literature in individuals with DOLK-related disease. This variant is not present in population databases (ExAC no frequency).

NM_014908.4(DOLK):c.560G>A (p.Arg187His)

Gene: DOLK (dolichol kinase; minus strand). Cytogenetic location: 9q34.11.
Variant type: single nucleotide variant.
Coding change: c.560G>A on transcript NM_014908.4 (MANE Select); coding-DNA position 560, G replaced by A.
Protein change: p.Arg187His; replaces arginine 187 with histidine.
Molecular consequence: missense variant.
Genome position (GRCh38, 1-based): chr9:128,946,744, C>T on the plus strand (G>A on the coding strand, the complement: DOLK is on the minus strand). VCF-style: chr9-128946744-C-T. GRCh37 (hg19) VCF-style: chr9-131709023-C-T.
Other names: short protein forms R187H.
Identifiers: ClinVar variation 532850 (VCV000532850.10), dbSNP rs377658203, ClinGen allele CA375125073.